The following is an entry in ClinVar:

NM_001349253.2(SCN11A):c.4787T>C (p.Val1596Ala)

Gene: SCN11A (sodium voltage-gated channel alpha subunit 11; minus strand). Cytogenetic location: 3p22.2.
Variant type: single nucleotide variant.
Coding change: c.4787T>C on transcript NM_001349253.2 (MANE Select); coding-DNA position 4787, T replaced by C.
Protein change: p.Val1596Ala; replaces valine 1596 with alanine.
Molecular consequence: missense variant.
Genome position (GRCh38, 1-based): chr3:38,847,283, A>G on the plus strand (T>C on the coding strand, the complement: SCN11A is on the minus strand). VCF-style: chr3-38847283-A-G. GRCh37 (hg19) VCF-style: chr3-38888774-A-G.
Other names: c.4787T>C, p.Val1596Ala (NM_014139.3); short protein forms V1596A.
Identifiers: ClinVar variation 1043163 (VCV001043163.5), dbSNP rs1343397859, ClinGen allele CA352162427.

ClinVar aggregate classification (germline): Uncertain significance (1 of 4 stars; one submission).

Conditions:
Hereditary sensory and autonomic neuropathy type 7. Also called: HSAN VII; Neuropathy, hereditary sensory and autonomic, type VII. Identifiers: Orphanet 391397, MedGen C3809882, MONDO:0014244, OMIM 615548.
Familial episodic pain syndrome with predominantly lower limb involvement. Also called: Episodic pain syndrome, familial, 3. Identifiers: Orphanet 391384, Orphanet 391392, MedGen C3809899, MONDO:0014247, OMIM 615552.

Allele frequency attached by ClinVar (database versions not stated): gnomAD exomes below 0.00001.
gnomAD v4.1: 2 of 1,614,192 alleles (0.00012%); highest among the groups gnomAD compares: Admixed American, 0.0033%; no homozygotes.

Submission:

Labcorp Genetics (formerly Invitae), Labcorp
Classification: Uncertain significance for Familial episodic pain syndrome with predominantly lower limb involvement; Hereditary sensory and autonomic neuropathy type 7. Last evaluated: 2022-02-06. Review status: criteria provided, single submitter. Criteria: Invitae Variant Classification Sherloc (09022015). Collection method: clinical testing. Allele origin: germline.
Comment: This variant is present in population databases (no rsID available, gnomAD 0.006%). This sequence change replaces valine, which is neutral and non-polar, with alanine, which is neutral and non-polar, at codon 1596 of the SCN11A protein (p.Val1596Ala). This variant has not been reported in the literature in individuals affected with SCN11A-related conditions. In summary, the available evidence is currently insufficient to determine the role of this variant in disease. Therefore, it has been classified as a Variant of Uncertain Significance. Algorithms developed to predict the effect of missense changes on protein structure and function are either unavailable or do not agree on the potential impact of this missense change (SIFT: "Deleterious"; PolyPhen-2: "Probably Damaging"; Align-GVGD: "Class C0"). ClinVar contains an entry for this variant (Variation ID: 1043163).